The following is an entry in ClinVar:

ClinVar aggregate classification (germline): Likely pathogenic (1 of 4 stars; one submission).

Conditions:
Familial thoracic aortic aneurysm and aortic dissection (TAAD). Also called: Thoracic aortic aneurysms and dissections. Identifiers: Orphanet 91387, MedGen C4707243, MONDO:0019625.

Allele frequency attached by ClinVar (database versions not stated): gnomAD exomes below 0.00001.

Submission:

Laboratory for Molecular Medicine, Mass General Brigham Personalized Medicine
Classification: Likely pathogenic for Familial thoracic aortic aneurysm and aortic dissection. Last evaluated: 2020-08-24. Review status: criteria provided, single submitter. Criteria: ACMG Guidelines, 2015. Collection method: clinical testing. Allele origin: germline.
Comment: The p.Trp360X variant in TGFB2 has not been identified in indivdiuals with Loeys Dietz syndrome or TAAD and was absent from large population studies. This nonsense variant leads to a premature termination codon at position 360, which is predicted to lead to a truncated or absent protein. Loss of function of the TGFB2 gene has been associated with autosomal dominant Loeys Dietz syndrome and TAAD. In summary, although additional studies are required to fully establish its clinical significance, this variant meets criteria to be classified as likely pathogenic. ACMG/AMP Criteria applied: PM2; PVS1.

NM_003238.6(TGFB2):c.995G>A (p.Trp332Ter)

Gene: TGFB2 (transforming growth factor beta 2; plus strand). Cytogenetic location: 1q41.
Variant type: single nucleotide variant.
Coding change: c.995G>A on transcript NM_003238.6 (MANE Select); coding-DNA position 995, G replaced by A.
Protein change: p.Trp332Ter; replaces tryptophan 332 with a stop codon.
Molecular consequence: nonsense. On other transcripts: non-coding transcript variant (2).
Genome position (GRCh38, 1-based): chr1:218,437,405, G>A. VCF-style: chr1-218437405-G-A. GRCh37 (hg19) VCF-style: chr1-218610747-G-A.
Other names: c.1079G>A, p.Trp360Ter (NM_001135599.4); short protein forms W332*, W360*.
Identifiers: ClinVar variation 3075818 (VCV003075818.1), dbSNP rs2464877549, ClinGen allele CA344727524.